The following is an entry in ClinVar:

NM_001429.4(EP300):c.1176C>T (p.His392=)

Gene: EP300 (EP300 lysine acetyltransferase; plus strand). Cytogenetic location: 22q13.2.
Variant type: single nucleotide variant.
Coding change: c.1176C>T on transcript NM_001429.4 (MANE Select); coding-DNA position 1176, C replaced by T.
Protein change: p.His392=; no amino-acid change (histidine 392 retained).
Molecular consequence: synonymous variant.
Genome position (GRCh38, 1-based): chr22:41,129,897, C>T. VCF-style: chr22-41129897-C-T. GRCh37 (hg19) VCF-style: chr22-41525901-C-T.
Other names: c.1176C>T, p.His392= (NM_001362843.2).
Identifiers: ClinVar variation 4990788 (VCV004990788.1).
Genomic context (GRCh38, chr22:41,129,897, plus strand): 5'-TTAATGTAAAAACATTAACCTGCTCTTGAAAAAATATGTTTTCTTCTCTTTAGTGGCACA[C>T]TGTGCATCTTCTCGACAAATCATTTCACACTGGAAGAATTGTACAAGACATGATTGTCCT-3'
Protein context (NP_001420.2, residues 382-402): CQSGKSCQVA[His392=]CASSRQIISH

ClinVar aggregate classification (germline): Likely benign (1 of 4 stars; one submission).

Conditions:
EP300-related disorder. Also called: EP300-related condition; EP300-related disorders.

Submission:

PreventionGenetics, part of Exact Sciences
Classification: Likely benign for EP300-related condition. Last evaluated: 2025-08-13. Review status: criteria provided, single submitter. Criteria: ACMG Guidelines, 2015. Collection method: clinical testing. Allele origin: germline.
Comment: This variant is classified as likely benign based on ACMG/AMP sequence variant interpretation guidelines (Richards et al. 2015 PMID: 25741868, with internal and published modifications).